The following is an entry in ClinVar:

NM_025265.4(TSEN2):c.23C>A (p.Ala8Asp)

Gene: TSEN2 (tRNA splicing endonuclease subunit 2; plus strand). Cytogenetic location: 3p25.2.
Variant type: single nucleotide variant.
Coding change: c.23C>A on transcript NM_025265.4 (MANE Select); coding-DNA position 23, C replaced by A.
Protein change: p.Ala8Asp; replaces alanine 8 with aspartic acid.
Molecular consequence: missense variant. On other transcripts: non-coding transcript variant (1).
Genome position (GRCh38, 1-based): chr3:12,489,823, C>A. VCF-style: chr3-12489823-C-A. GRCh37 (hg19) VCF-style: chr3-12531322-C-A.
Other names: c.23C>A, p.Ala8Asp (NM_001145393.3, NM_001145394.2, NM_001145392.2 and 3 more transcripts); c.23C>A (NM_025265.3); short protein forms A8D.
Identifiers: ClinVar variation 2444490 (VCV002444490.3), dbSNP rs777829635, ClinGen allele CA2258388.
Genomic context (GRCh38, chr3:12,489,823, plus strand): 5'-TTTGTTGTCTACTCTTTAAAGAATACCTCCTCTGAAAAATGGCAGAAGCAGTTTTCCATG[C>A]CCCAAAGAGGAAAAGAAGAGTGTATGAGACTTACGAGTCTCCATTGCCAATCCCTTTTGG-3'
Protein context (NP_079541.1, residues 1-18): MAEAVFH[Ala8Asp]PKRKRRVYET

ClinVar aggregate classification (germline): Uncertain significance. Review status: criteria provided, single submitter (1 of 4 stars). 2 submissions from 2 submitters: Uncertain significance (1). 1 of the submissions does not count toward it. Last evaluated 2023-06-21.

Conditions:
Pontocerebellar hypoplasia type 2B (PCH2B). Identifiers: Orphanet 2524, MedGen C2676466, MONDO:0012890, OMIM 612389.

Allele frequency attached by ClinVar (database versions not stated): ExAC 0.00001.
gnomAD v4.1: 3 of 1,613,684 alleles (0.00019%); highest among the groups gnomAD compares: Non-Finnish European, 0.00025%; no homozygotes.

Submissions (2):

GeneDx
Classification: Uncertain significance. Last evaluated: 2023-06-21. Review status: criteria provided, single submitter. Criteria: GeneDx Variant Classification Process June 2021. Collection method: clinical testing. Allele origin: germline. Affected: yes.
Comment: Not observed at significant frequency in large population cohorts (gnomAD); In silico analysis supports that this missense variant has a deleterious effect on protein structure/function; Has not been previously published as pathogenic or benign to our knowledge; This variant is associated with the following publications: (PMID: 34964109)

Payam Genetics Center, General Welfare Department of North Khorasan Province
Classification: Pathogenic for Pontocerebellar hypoplasia type 2B. Last evaluated: 2023-03-01. Review status: no assertion criteria provided. Collection method: clinical testing. Allele origin: germline. Affected: yes. Observed: 1 variant allele. Not counted in ClinVar's aggregate classification.

Literature cited by the submitters: PubMed 34964109 (cited by Payam Genetics Center, General Welfare Department of North Khorasan Province); PubMed 20301773 (cited by Payam Genetics Center, General Welfare Department of North Khorasan Province).